The following is an entry in ClinVar:

NM_170665.4(ATP2A2):c.1983C>T (p.Asn661=)

Genes: ATP2A2 (ATPase sarcoplasmic/endoplasmic reticulum Ca2+ transporting 2; plus strand), LOC126861637 (MED14-independent group 3 enhancer GRCh37_chr12:110778306-110779505; plus strand). Cytogenetic location: 12q24.11.
Variant type: single nucleotide variant.
Coding change: c.1983C>T on transcript NM_170665.4 (MANE Select); coding-DNA position 1983, C replaced by T.
Protein change: p.Asn661=; no amino-acid change (asparagine 661 retained).
Molecular consequence: synonymous variant.
Genome position (GRCh38, 1-based): chr12:110,340,880, C>T. VCF-style: chr12-110340880-C-T. GRCh37 (hg19) VCF-style: chr12-110778685-C-T.
Other names: c.1983C>T, p.Asn661= (NM_001681.4).
Identifiers: ClinVar variation 307176 (VCV000307176.8), dbSNP rs755494363, ClinGen allele CA6784013.

ClinVar aggregate classification (germline): Likely benign. Review status: criteria provided, multiple submitters, no conflicts (2 of 4 stars). 3 submissions from 3 submitters: Likely benign (3). Last evaluated 2024-09-23.

Conditions:
Inborn genetic diseases. Identifiers: MedGen C0950123, MeSH D030342.
Keratosis follicularis (DAR). Also called: Darier disease; Darier's disease. Identifiers: Orphanet 218, MedGen C0022595, MONDO:0007417, OMIM 124200.

Allele frequency attached by ClinVar (database versions not stated): gnomAD 0.00010 and 0.00012; gnomAD exomes 0.00020 and 0.00003; ExAC 0.00003; TOPMed 0.00009.
gnomAD v4.1: 305 of 1,614,110 alleles (0.019%); highest among the groups gnomAD compares: Non-Finnish European, 0.025%; no homozygotes.

Submissions (3):

Blueprint Genetics
Classification: Likely benign. Last evaluated: 2024-09-23. Review status: criteria provided, single submitter. Criteria: ACMG Guidelines, 2015. Collection method: clinical testing. Allele origin: germline.

Ambry Genetics
Classification: Likely benign for Inborn genetic diseases. Last evaluated: 2023-05-30. Review status: criteria provided, single submitter. Criteria: Ambry Variant Classification Scheme 2023. Collection method: clinical testing. Allele origin: germline.

Illumina Laboratory Services, Illumina
Classification: Likely benign for Keratosis follicularis. Last evaluated: 2018-01-12. Review status: criteria provided, single submitter. Criteria: ICSL Variant Classification Criteria 13 December 2019. Collection method: clinical testing. Allele origin: germline.
Comment: This variant was observed in the ICSL laboratory as part of a predisposition screen in an ostensibly healthy population. It had not been previously curated by ICSL or reported in the Human Gene Mutation Database (HGMD: prior to June 1st, 2018), and was therefore a candidate for classification through an automated scoring system. Utilizing variant allele frequency, disease prevalence and penetrance estimates, and inheritance mode, an automated score was calculated to assess if this variant is too frequent to cause the disease. Based on the score and internal cut-off values, a variant classified as likely benign is not then subjected to further curation. The score for this variant resulted in a classification of likely benign for this disease.